The following is an entry in ClinVar:

NM_005685.4(GTF2IRD1):c.2108-8G>A

Gene: GTF2IRD1 (GTF2I repeat domain containing 1; plus strand). Cytogenetic location: 7q11.23.
Variant type: single nucleotide variant.
Coding change: c.2108-8G>A on transcript NM_005685.4 (MANE Select); 8 bases into the intron before coding-DNA position 2108, G replaced by A.
Molecular consequence: intron variant.
Genome position (GRCh38, 1-based): chr7:74,558,853, G>A. VCF-style: chr7-74558853-G-A. GRCh37 (hg19) VCF-style: chr7-73973183-G-A.
Other names: c.2204-8G>A (NM_001199207.2); c.2153-8G>A (NM_016328.3); c.2108-8G>A (NM_001410888.1).
Identifiers: ClinVar variation 3037668 (VCV003037668.2), dbSNP rs73702616, ClinGen allele CA4297190.

ClinVar aggregate classification (germline): Benign (0 of 4 stars; one submission).

Conditions:
GTF2IRD1-related disorder. Also called: GTF2IRD1-related condition.

Allele frequency attached by ClinVar (database versions not stated): ESP Exome Variant Server 0.03829; 1000 Genomes Project 0.03874; 1000 Genomes Project 30x 0.04419.
gnomAD v4.1: 10,740 of 1,607,328 alleles (0.67%); highest among the groups gnomAD compares: African/African-American, 11%; 516 homozygotes.

Submission:

PreventionGenetics, part of Exact Sciences
Classification: Benign for GTF2IRD1-related condition. Last evaluated: 2019-02-19. Review status: no assertion criteria provided. Collection method: clinical testing. Allele origin: germline.
Comment: This variant is classified as benign based on ACMG/AMP sequence variant interpretation guidelines (Richards et al. 2015 PMID: 25741868, with internal and published modifications).